The following is an entry in ClinVar:

ClinVar aggregate classification (germline): Pathogenic/Likely pathogenic. Review status: criteria provided, multiple submitters, no conflicts (2 of 4 stars). 5 submissions from 5 submitters: Pathogenic (2); Likely pathogenic (2). 1 of the submissions does not count toward it. Last evaluated 2025-12-08.

Conditions:
Patterned dystrophy of the retinal pigment epithelium (MDPT1). Identifiers: Orphanet 63454, MedGen C1868569, MONDO:0018973.
PRPH2-related disorder. Also called: PRPH2-related condition; PRPH2-related disorders. Identifiers: MedGen CN239395.

Allele frequency attached by ClinVar (database versions not stated): gnomAD exomes below 0.00001; ExAC 0.00001; gnomAD 0.00001.
gnomAD v4.1: 2 of 1,614,074 alleles (0.00012%); highest among the groups gnomAD compares: African/African-American, 0.0027%; no homozygotes.

Submissions (5):

Labcorp Genetics (formerly Invitae), Labcorp
Classification: Pathogenic for PRPH2-related disorder. Last evaluated: 2025-12-08. Review status: criteria provided, single submitter. Criteria: Invitae Variant Classification Sherloc (09022015). Collection method: clinical testing. Allele origin: germline.
Comment: This sequence change replaces tryptophan, which is neutral and slightly polar, with cysteine, which is neutral and slightly polar, at codon 179 of the PRPH2 protein (p.Trp179Cys). This variant is present in population databases (rs779414078, gnomAD 0.004%). This missense change has been observed in individuals with retinitis pigmentosa (PMID: 32037395, 32531846; internal data). ClinVar contains an entry for this variant (Variation ID: 866955). Invitae Evidence Modeling of protein sequence and biophysical properties (such as structural, functional, and spatial information, amino acid conservation, physicochemical variation, residue mobility, and thermodynamic stability) indicates that this missense variant is expected to disrupt PRPH2 protein function with a positive predictive value of 95%. This variant disrupts the p.Trp179 amino acid residue in PRPH2. Other variant(s) that disrupt this residue have been determined to be pathogenic (PMID: 10862101). This suggests that this residue is clinically significant, and that variants that disrupt this residue are likely to be disease-causing. For these reasons, this variant has been classified as Pathogenic.

Blueprint Genetics
Classification: Pathogenic for PRPH2-related disorders. Last evaluated: 2022-09-16. Review status: criteria provided, single submitter. Criteria: ACMG Guidelines, 2015. Collection method: clinical testing. Allele origin: germline. Affected: yes. Observed: 5 variant alleles.

GeneDx
Classification: Likely pathogenic. Last evaluated: 2021-06-15. Review status: criteria provided, single submitter. Criteria: GeneDx Variant Classification Process June 2021. Collection method: clinical testing. Allele origin: germline. Affected: yes.
Comment: Not observed at significant frequency in large population cohorts (Lek et al., 2016); In silico analysis supports that this missense variant has a deleterious effect on protein structure/function; This variant is associated with the following publications: (PMID: 27535533, 32531846)

NEI Ophthalmic Genomics Laboratory, National Institutes of Health
Classification: Likely pathogenic for Patterned dystrophy of the retinal pigment epithelium. Last evaluated: 2020-01-07. Review status: criteria provided, single submitter. Criteria: ACMG Guidelines, 2015. Collection method: clinical testing. Allele origin: germline. Affected: yes.
Comment: The variant NM_000322.4:c.537G>T in the PRPH2 gene has not been reported to our knowledge . This variant is listed in dbSNP and/or HGMD (rs779414078). It is present in gnomAD browser (AF 0.00000406). This variant is not already listed in ClinVar. It is not enriched in the PRPH2 disease cohort. We invoked ACMG criteria [PM1, PM2, PM5, PP3] and classified NM_000322.4:c.537G>T in the PRPH2 gene as a Likely Pathogenic mutation.

Leiden Open Variation Database
Classification: Likely pathogenic. Last evaluated: 2021-04-06. Review status: no assertion criteria provided. Collection method: curation. Allele origin: germline. Affected: yes. Not counted in ClinVar's aggregate classification.
Comment: Curator: Global Variome, with Curator vacancy. Submitter to LOVD: Manon Peeters.

Literature cited by the submitters: PubMed 32037395 (cited by Labcorp Genetics (formerly Invitae), Labcorp); PubMed 32531846 (cited by Labcorp Genetics (formerly Invitae), Labcorp and Leiden Open Variation Database); PubMed 10862101 (cited by Labcorp Genetics (formerly Invitae), Labcorp).

NM_000322.5(PRPH2):c.537G>T (p.Trp179Cys)

Gene: PRPH2 (peripherin 2; minus strand). Cytogenetic location: 6p21.1.
Variant type: single nucleotide variant.
Coding change: c.537G>T on transcript NM_000322.5 (MANE Select); coding-DNA position 537, G replaced by T.
Protein change: p.Trp179Cys; replaces tryptophan 179 with cysteine.
Molecular consequence: missense variant.
Genome position (GRCh38, 1-based): chr6:42,721,798, C>A on the plus strand (G>T on the coding strand, the complement: PRPH2 is on the minus strand). VCF-style: chr6-42721798-C-A. GRCh37 (hg19) VCF-style: chr6-42689536-C-A.
Other names: short protein forms W179C.
Identifiers: ClinVar variation 866955 (VCV000866955.15), dbSNP rs779414078, ClinGen allele CA3808597.